The following is an entry in ClinVar:

ClinVar aggregate classification (germline): Likely pathogenic (1 of 4 stars; one submission).

Submission:

Labcorp Genetics (formerly Invitae), Labcorp
Classification: Likely pathogenic. Last evaluated: 2019-07-17. Review status: criteria provided, single submitter. Criteria: Invitae Variant Classification Sherloc (09022015). Collection method: clinical testing. Allele origin: germline.
Comment: In summary, the currently available evidence indicates that the variant is pathogenic, but additional data are needed to prove that conclusively. Therefore, this variant has been classified as Likely Pathogenic. This variant is a deletion of the genomic region encompassing part of exon 6 (c.1146_1149+10del) of the SLC39A4 gene. It is expected to disrupt RNA splicing and likely results in an absent or disrupted protein product. This variant has not been reported in the literature in individuals with SLC39A4-related conditions. Loss-of-function variants in SLC39A4 are known to be pathogenic (PMID: 12955721).

Literature cited by the submitters: PubMed 12955721.

NM_130849.4(SLC39A4):c.1146_1149+10del

Gene: SLC39A4 (solute carrier family 39 member 4; minus strand). Cytogenetic location: 8q24.3.
Variant type: Deletion.
Coding change: c.1146_1149+10del on transcript NM_130849.4 (MANE Select); coding-DNA position 1146 through 10 bases into the intron after coding-DNA position 1149, 14 bases deleted (CAAGGTCTGCCCCC).
Molecular consequence: splice donor variant.
Genome position (GRCh38, 1-based): chr8:144,414,252-144,414,265, GGGGGCAGACCTTG deleted on the plus strand (CAAGGTCTGCCCCC on the coding strand, the reverse complement: SLC39A4 is on the minus strand); deleting any 14 consecutive bases within chr8:144,414,252-144,414,267 gives the same sequence; the c. name uses the placement nearest the transcript's 3' end. VCF-style (leftmost placement, unchanged base first): chr8-144414251-TGGGGGCAGACCTTG-T. GRCh37 (hg19) VCF-style: chr8-145639635-TGGGGGCAGACCTTG-T.
Other names: c.864_867+10del (NM_001374839.1); c.1071_1074+10del (NM_017767.3).
Identifiers: ClinVar variation 955731 (VCV000955731.6), dbSNP rs1822061222, ClinGen allele CA1139660827.